The following is an entry in ClinVar:

NM_001379110.1(SLC9A6):c.-56-37C>G

Gene: SLC9A6 (solute carrier family 9 member A6; plus strand). Cytogenetic location: Xq26.3.
Variant type: single nucleotide variant.
Coding change: c.-56-37C>G on transcript NM_001379110.1 (MANE Select); 37 bases into the intron before 56 bases upstream of the start codon, C replaced by G.
Molecular consequence: intron variant. On other transcripts: missense variant (2).
Genome position (GRCh38, 1-based): chrX:135,985,566, C>G. VCF-style: chrX-135985566-C-G. GRCh37 (hg19) VCF-style: chrX-135067725-C-G.
Other names: c.64C>G, p.Arg22Gly (NM_001042537.2, NM_006359.3); c.-35-58C>G (NM_001400909.1); c.-56-37C>G (NM_001400910.1, NM_001400911.1, NM_001177651.2 and 3 more transcripts); short protein forms R22G.
Identifiers: ClinVar variation 3767628 (VCV003767628.1).

ClinVar aggregate classification (germline): Uncertain significance (1 of 4 stars; one submission).

Submission:

GeneDx
Classification: Uncertain significance. Last evaluated: 2024-09-04. Review status: criteria provided, single submitter. Criteria: GeneDx Variant Classification Process June 2021. Collection method: clinical testing. Allele origin: germline. Affected: yes.
Comment: Not observed at significant frequency in large population cohorts (gnomAD); In silico analysis indicates that this missense variant does not alter protein structure/function; Has not been previously published as pathogenic or benign to our knowledge